The following is an entry in ClinVar:

NM_005055.5(RAPSN):c.537C>A (p.Tyr179Ter)

Gene: RAPSN (receptor associated protein of the synapse; minus strand). Cytogenetic location: 11p11.2.
Variant type: single nucleotide variant.
Coding change: c.537C>A on transcript NM_005055.5 (MANE Select); coding-DNA position 537, C replaced by A.
Protein change: p.Tyr179Ter; replaces tyrosine 179 with a stop codon.
Molecular consequence: nonsense.
Genome position (GRCh38, 1-based): chr11:47,442,809, G>T on the plus strand (C>A on the coding strand, the complement: RAPSN is on the minus strand). VCF-style: chr11-47442809-G-T. GRCh37 (hg19) VCF-style: chr11-47464361-G-T.
Other names: c.537C>A, p.Tyr179Ter (NM_032645.5); short protein forms Y179*.
Identifiers: ClinVar variation 1405025 (VCV001405025.6), dbSNP rs1015604630, ClinGen allele CA380332505.
Genomic context (GRCh38, chr11:47,442,809, plus strand): 5'-GCCTTTGCCATAGTTGTTGACAAGCTCTGCCGCCTTGCAGGGGAAGAACAGGGCTTTCTC[G>T]TAGTCCTGCAGGGGACATGGAATGGAAGGAGGCAAACTGAGTGGCAGAGGCTGCCCCAAG-3'

ClinVar aggregate classification (germline): Pathogenic (1 of 4 stars; one submission).

Conditions:
Fetal akinesia deformation sequence 1 (FADS1). Also called: Pena-Shokeir syndrome type I; Fetal akinesia sequence. Identifiers: Orphanet 994, MedGen C1276035, MONDO:0100101, OMIM 208150, HP:0001989.
Congenital myasthenic syndrome 11. Also called: Myasthenic syndrome, congenital, 11, associated with acetylcholine receptor deficiency; MYASTHENIC SYNDROME, CONGENITAL, Ie. Identifiers: Orphanet 590, MedGen C4225367, MONDO:0014588, OMIM 616326.

gnomAD v4.1: 1 of 1,614,110 alleles (0.000062%); no homozygotes.

Submission:

Labcorp Genetics (formerly Invitae), Labcorp
Classification: Pathogenic for Congenital myasthenic syndrome 11; Fetal akinesia deformation sequence 1. Last evaluated: 2021-09-21. Review status: criteria provided, single submitter. Criteria: Invitae Variant Classification Sherloc (09022015). Collection method: clinical testing. Allele origin: germline.
Comment: For these reasons, this variant has been classified as Pathogenic. This variant has not been reported in the literature in individuals affected with RAPSN-related conditions. This variant is not present in population databases (ExAC no frequency). This sequence change creates a premature translational stop signal (p.Tyr179*) in the RAPSN gene. It is expected to result in an absent or disrupted protein product. Loss-of-function variants in RAPSN are known to be pathogenic (PMID: 17686188).

Literature cited by the submitters: PubMed 17686188.